The following is an entry in ClinVar:

NM_003923.3(FOXH1):c.727C>T (p.Leu243Phe)

Gene: FOXH1 (forkhead box H1; minus strand). Cytogenetic location: 8q24.3.
Variant type: single nucleotide variant.
Coding change: c.727C>T on transcript NM_003923.3 (MANE Select); coding-DNA position 727, C replaced by T.
Protein change: p.Leu243Phe; replaces leucine 243 with phenylalanine.
Molecular consequence: missense variant.
Genome position (GRCh38, 1-based): chr8:144,474,609, G>A on the plus strand (C>T on the coding strand, the complement: FOXH1 is on the minus strand). VCF-style: chr8-144474609-G-A. GRCh37 (hg19) VCF-style: chr8-145699992-G-A.
Other names: short protein forms L243F.
Identifiers: ClinVar variation 1017204 (VCV001017204.5), dbSNP rs768693604, ClinGen allele CA4945455.

ClinVar aggregate classification (germline): Uncertain significance (1 of 4 stars; one submission).

Conditions:
Holoprosencephaly sequence (HPE). Also called: Holoprosencephaly. Identifiers: Orphanet 2162, MedGen C0079541, MONDO:0016296, HP:0001360.

Allele frequency attached by ClinVar (database versions not stated): TOPMed below 0.00001; gnomAD 0.00001.

Submission:

Labcorp Genetics (formerly Invitae), Labcorp
Classification: Uncertain significance for Holoprosencephaly sequence. Last evaluated: 2023-12-11. Review status: criteria provided, single submitter. Criteria: Invitae Variant Classification Sherloc (09022015). Collection method: clinical testing. Allele origin: germline.
Comment: This sequence change replaces leucine, which is neutral and non-polar, with phenylalanine, which is neutral and non-polar, at codon 243 of the FOXH1 protein (p.Leu243Phe). This variant is present in population databases (rs768693604, gnomAD 0.003%). This variant has not been reported in the literature in individuals affected with FOXH1-related conditions. ClinVar contains an entry for this variant (Variation ID: 1017204). Advanced modeling of protein sequence and biophysical properties (such as structural, functional, and spatial information, amino acid conservation, physicochemical variation, residue mobility, and thermodynamic stability) performed at Invitae indicates that this missense variant is not expected to disrupt FOXH1 protein function with a negative predictive value of 80%. In summary, the available evidence is currently insufficient to determine the role of this variant in disease. Therefore, it has been classified as a Variant of Uncertain Significance.